The following is an entry in ClinVar:

ClinVar aggregate classification (germline): Uncertain significance (1 of 4 stars; one submission).

gnomAD v4.1: 2 of 1,597,916 alleles (0.00013%); highest among the groups gnomAD compares: South Asian, 0.0011%; no homozygotes.

Submission:

Labcorp Genetics (formerly Invitae), Labcorp
Classification: Uncertain significance. Last evaluated: 2025-02-25. Review status: criteria provided, single submitter. Criteria: Invitae Variant Classification Sherloc (09022015). Collection method: clinical testing. Allele origin: germline.
Comment: This sequence change replaces glycine, which is neutral and non-polar, with cysteine, which is neutral and slightly polar, at codon 148 of the KIDINS220 protein (p.Gly148Cys). The frequency data for this variant in the population databases is considered unreliable, as metrics indicate poor data quality at this position in the gnomAD database. This variant has not been reported in the literature in individuals affected with KIDINS220-related conditions. An algorithm developed to predict the effect of missense changes on protein structure and function (PolyPhen-2) suggests that this variant is likely to be disruptive. In summary, the available evidence is currently insufficient to determine the role of this variant in disease. Therefore, it has been classified as a Variant of Uncertain Significance.

NM_020738.4(KIDINS220):c.442G>T (p.Gly148Cys)

Gene: KIDINS220 (kinase D interacting substrate 220; minus strand). Cytogenetic location: 2p25.1.
Variant type: single nucleotide variant.
Coding change: c.442G>T on transcript NM_020738.4 (MANE Select); coding-DNA position 442, G replaced by T.
Protein change: p.Gly148Cys; replaces glycine 148 with cysteine.
Molecular consequence: missense variant. On other transcripts: non-coding transcript variant (2).
Genome position (GRCh38, 1-based): chr2:8,812,457, C>A on the plus strand (G>T on the coding strand, the complement: KIDINS220 is on the minus strand). VCF-style: chr2-8812457-C-A. GRCh37 (hg19) VCF-style: chr2-8952587-C-A.
Other names: c.445G>T, p.Gly149Cys (NM_001348729.2, NM_001348731.2, NM_001348734.2 and 3 more transcripts); c.442G>T, p.Gly148Cys (NM_001348732.2, NM_001348735.2, NM_001348738.2 and 3 more transcripts); c.316G>T, p.Gly106Cys (NM_001348736.2); short protein forms G148C, G106C, G149C.
Identifiers: ClinVar variation 4713784 (VCV004713784.1).
Genomic context (GRCh38, chr2:8,812,457, plus strand): 5'-TATCAGAGCAGTTGACTTTAGCACCATTTTGCAGTAAAAGATGAACTATATCTGCATGGC[C>A]TCTCCCTGCTGCCCAAATGATTGGGTAAACACTGTACTGCTAGGATAGATTGGTTGGTAG-3'
Protein context (NP_065789.1, residues 138-158): VYPIIWAAGR[Gly148Cys]HADIVHLLLQ